The following is an entry in ClinVar:

NM_181523.3(PIK3R1):c.413C>G (p.Ala138Gly)

Gene: PIK3R1 (phosphoinositide-3-kinase regulatory subunit 1; plus strand). Cytogenetic location: 5q13.1.
Variant type: single nucleotide variant.
Coding change: c.413C>G on transcript NM_181523.3 (MANE Select); coding-DNA position 413, C replaced by G.
Protein change: p.Ala138Gly; replaces alanine 138 with glycine.
Molecular consequence: missense variant.
Genome position (GRCh38, 1-based): chr5:68,273,468, C>G. VCF-style: chr5-68273468-C-G. GRCh37 (hg19) VCF-style: chr5-67569296-C-G.
Other names: short protein forms A138G.
Identifiers: ClinVar variation 2931748 (VCV002931748.4), dbSNP rs372106984, ClinGen allele CA3290009.

ClinVar aggregate classification (germline): Uncertain significance. Review status: criteria provided, multiple submitters, no conflicts (2 of 4 stars). 2 submissions from 2 submitters: Uncertain significance (2). Last evaluated 2023-11-15.

Conditions:
SHORT syndrome. Also called: LIPODYSTROPHY, PARTIAL, WITH RIEGER ANOMALY AND SHORT STATURE; PIK3R1-Related SHORT Syndrome; SHORT STATURE, HYPEREXTENSIBILITY, HERNIA, OCULAR DEPRESSION, RIEGER ANOMALY, AND TEETHING DELAY. Identifiers: Orphanet 3163, MedGen C0878684, MONDO:0010026, OMIM 269880.
Agammaglobulinemia 7, autosomal recessive (AGM7). Also called: AGAMMAGLOBULINEMIA, AUTOSOMAL RECESSIVE, DUE TO PIK3R1 DEFECT. Identifiers: MedGen C3554689, MONDO:0014083, OMIM 615214.
Immunodeficiency 36 with lymphoproliferation. Also called: Activated PI3K Delta Syndrome Type 2 (APDS2); ACTIVATED PI3K-DELTA SYNDROME 2; Immunodeficiency 36. Identifiers: Orphanet 397596, Orphanet 693681, MedGen C4014934, MONDO:0014453, OMIM 616005.

Allele frequency attached by ClinVar (database versions not stated): TOPMed below 0.00001; ExAC 0.00001; gnomAD 0.00001; ESP Exome Variant Server 0.00008.
gnomAD v4.1: 5 of 1,613,648 alleles (0.00031%); highest among the groups gnomAD compares: Non-Finnish European, 0.00042%; no homozygotes.

Submissions (2):

Labcorp Genetics (formerly Invitae), Labcorp
Classification: Uncertain significance for SHORT syndrome; Immunodeficiency 36 with lymphoproliferation; Agammaglobulinemia 7, autosomal recessive. Last evaluated: 2023-11-15. Review status: criteria provided, single submitter. Criteria: Invitae Variant Classification Sherloc (09022015). Collection method: clinical testing. Allele origin: germline.
Comment: This sequence change replaces alanine, which is neutral and non-polar, with glycine, which is neutral and non-polar, at codon 138 of the PIK3R1 protein (p.Ala138Gly). This variant is present in population databases (rs372106984, gnomAD 0.0009%). This variant has not been reported in the literature in individuals affected with PIK3R1-related conditions. An algorithm developed to predict the effect of missense changes on protein structure and function (PolyPhen-2) suggests that this variant is likely to be tolerated. In summary, the available evidence is currently insufficient to determine the role of this variant in disease. Therefore, it has been classified as a Variant of Uncertain Significance.

Blueprint Genetics
Classification: Uncertain significance. Last evaluated: 2023-09-20. Review status: criteria provided, single submitter. Criteria: ACMG Guidelines, 2015. Collection method: clinical testing. Allele origin: germline.